The following is an entry in ClinVar:

NM_004100.5(EYA4):c.1088C>A (p.Pro363His)

Gene: EYA4 (EYA transcriptional coactivator and phosphatase 4; plus strand). Cytogenetic location: 6q23.2.
Variant type: single nucleotide variant.
Coding change: c.1088C>A on transcript NM_004100.5 (MANE Select); coding-DNA position 1088, C replaced by A.
Protein change: p.Pro363His; replaces proline 363 with histidine.
Molecular consequence: missense variant.
Genome position (GRCh38, 1-based): chr6:133,481,580, C>A. VCF-style: chr6-133481580-C-A. GRCh37 (hg19) VCF-style: chr6-133802718-C-A.
Other names: c.926C>A, p.Pro309His (NM_001301012.2); c.1106C>A, p.Pro369His (NM_001301013.2); c.1019C>A, p.Pro340His (NM_001370458.1, NM_172103.4); c.944C>A, p.Pro315His (NM_001370459.1); c.1088C>A, p.Pro363His (NM_172105.4); short protein forms P309H, P315H, P340H, P363H, P369H.
Identifiers: ClinVar variation 3665146 (VCV003665146.2).
Genomic context (GRCh38, chr6:133,481,580, plus strand): 5'-CCTGTAGGAGTTCTGGGTCAAAGTCCAGAGGAAGAGGCCGGAAAAATAATCCCTCCCCGC[C>A]TCCTGATAGTGACCTGGAGGTATGCCTACTCATTCTTAAAGATTGTAGTGTGATGCTTTA-3'
Protein context (NP_004091.3, residues 353-373): GRGRKNNPSP[Pro363His]PDSDLERVFV

ClinVar aggregate classification (germline): Uncertain significance (1 of 4 stars; one submission).

Conditions:
Dilated cardiomyopathy 1J (CMD1J). Also called: CARDIOMYOPATHY, DILATED, WITH SENSORINEURAL HEARING LOSS, AUTOSOMAL DOMINANT. Identifiers: Orphanet 217622, MedGen C1854368, MONDO:0011541, OMIM 605362.

Submission:

Labcorp Genetics (formerly Invitae), Labcorp
Classification: Uncertain significance for Dilated cardiomyopathy 1J. Last evaluated: 2024-12-08. Review status: criteria provided, single submitter. Criteria: Invitae Variant Classification Sherloc (09022015). Collection method: clinical testing. Allele origin: germline.
Comment: This sequence change replaces proline, which is neutral and non-polar, with histidine, which is basic and polar, at codon 363 of the EYA4 protein (p.Pro363His). This variant is not present in population databases (gnomAD no frequency). This variant has not been reported in the literature in individuals affected with EYA4-related conditions. Invitae Evidence Modeling of protein sequence and biophysical properties (such as structural, functional, and spatial information, amino acid conservation, physicochemical variation, residue mobility, and thermodynamic stability) indicates that this missense variant is not expected to disrupt EYA4 protein function with a negative predictive value of 80%. In summary, the available evidence is currently insufficient to determine the role of this variant in disease. Therefore, it has been classified as a Variant of Uncertain Significance.